The following is an entry in ClinVar:

ClinVar aggregate classification (germline): Likely benign (0 of 4 stars; one submission).

Conditions:
PROK2-related disorder. Also called: PROK2-related condition.

Submission:

PreventionGenetics, part of Exact Sciences
Classification: Likely benign for PROK2-related condition. Last evaluated: 2023-12-27. Review status: no assertion criteria provided. Collection method: clinical testing. Allele origin: germline.
Comment: This variant is classified as likely benign based on ACMG/AMP sequence variant interpretation guidelines (Richards et al. 2015 PMID: 25741868, with internal and published modifications).

NM_001126128.2(PROK2):c.-9G>A

Gene: PROK2 (prokineticin 2; minus strand). Cytogenetic location: 3p13.
Variant type: single nucleotide variant.
Coding change: c.-9G>A on transcript NM_001126128.2 (MANE Select); 9 bases upstream of the start codon, G replaced by A.
Molecular consequence: 5 prime UTR variant.
Genome position (GRCh38, 1-based): chr3:71,785,061, C>T on the plus strand (G>A on the coding strand, the complement: PROK2 is on the minus strand). VCF-style: chr3-71785061-C-T. GRCh37 (hg19) VCF-style: chr3-71834212-C-T.
Other names: c.-9G>A (NM_021935.4).
Identifiers: ClinVar variation 3352320 (VCV003352320.1).